The following is an entry in ClinVar:

ClinVar aggregate classification (germline): Uncertain significance (1 of 4 stars; one submission).

Submission:

Labcorp Genetics (formerly Invitae), Labcorp
Classification: Uncertain significance. Last evaluated: 2022-10-27. Review status: criteria provided, single submitter. Criteria: Invitae Variant Classification Sherloc (09022015). Collection method: clinical testing. Allele origin: germline.
Comment: This sequence change replaces glutamic acid, which is acidic and polar, with aspartic acid, which is acidic and polar, at codon 178 of the NPHS2 protein (p.Glu178Asp). This variant also falls at the last nucleotide of exon 4, which is part of the consensus splice site for this exon. This variant is not present in population databases (gnomAD no frequency). This missense change has been observed in individual(s) with clinical features of nephrotic syndrome (Invitae). Algorithms developed to predict the effect of missense changes on protein structure and function are either unavailable or do not agree on the potential impact of this missense change (SIFT: "Tolerated"; PolyPhen-2: "Probably Damaging"; Align-GVGD: "Class C0"). Variants that disrupt the consensus splice site are a relatively common cause of aberrant splicing (PMID: 17576681, 9536098). Algorithms developed to predict the effect of sequence changes on RNA splicing suggest that this variant may disrupt the consensus splice site. In summary, the available evidence is currently insufficient to determine the role of this variant in disease. Therefore, it has been classified as a Variant of Uncertain Significance.

Literature cited by the submitters: PubMed 17576681; PubMed 9536098.

NM_014625.4(NPHS2):c.534G>C (p.Glu178Asp)

Gene: NPHS2 (NPHS2 stomatin family member, podocin; minus strand). Cytogenetic location: 1q25.2.
Variant type: single nucleotide variant.
Coding change: c.534G>C on transcript NM_014625.4 (MANE Select); coding-DNA position 534, G replaced by C.
Protein change: p.Glu178Asp; replaces glutamic acid 178 with aspartic acid.
Molecular consequence: missense variant.
Genome position (GRCh38, 1-based): chr1:179,559,679, C>G on the plus strand (G>C on the coding strand, the complement: NPHS2 is on the minus strand). VCF-style: chr1-179559679-C-G. GRCh37 (hg19) VCF-style: chr1-179528814-C-G.
Other names: c.534G>C, p.Glu178Asp (NM_001297575.2); short protein forms E178D.
Identifiers: ClinVar variation 2125203 (VCV002125203.4), dbSNP rs2526288095, ClinGen allele CA343568683.